The following is an entry in ClinVar:

ClinVar aggregate classification (germline): Conflicting classifications of pathogenicity. Review status: criteria provided, conflicting classifications (1 of 4 stars). 2 submissions from 2 submitters: Uncertain significance (1); Likely benign (1). Last evaluated 2026-01-28.

Conditions:
TH-deficient dopa-responsive dystonia. Also called: DYT-TH; Tyrosine Hydroxylase-Deficient Dopa-Responsive Dystonia; Segawa syndrome, autosomal recessive. Identifiers: Orphanet 101150, MedGen C2673535, MONDO:0011551, OMIM 605407.

Allele frequency attached by ClinVar (database versions not stated): ExAC 0.00001; gnomAD exomes 0.00001 and 0.00002; TOPMed 0.00001.
gnomAD v4.1: 7 of 1,612,780 alleles (0.00043%); highest among the groups gnomAD compares: Admixed American, 0.012%; no homozygotes.

Submissions (2):

Labcorp Genetics (formerly Invitae), Labcorp
Classification: Likely benign for TH-deficient dopa-responsive dystonia. Last evaluated: 2026-01-28. Review status: criteria provided, single submitter. Criteria: Invitae Variant Classification Sherloc (09022015). Collection method: clinical testing. Allele origin: germline.

Baylor Genetics
Classification: Uncertain significance for TH-deficient dopa-responsive dystonia. Last evaluated: 2020-09-19. Review status: criteria provided, single submitter. Criteria: ACMG Guidelines, 2015. Collection method: clinical testing. Allele origin: unknown. Affected: yes.
Comment: This variant was determined to be of uncertain significance according to ACMG Guidelines, 2015 [PMID:25741868].

NM_000360.4(TH):c.216C>T (p.Ala72=)

Gene: TH (tyrosine hydroxylase; minus strand). Cytogenetic location: 11p15.5.
Variant type: single nucleotide variant.
Coding change: c.216C>T on transcript NM_000360.4 (MANE Select); coding-DNA position 216, C replaced by T.
Protein change: p.Ala72=; no amino-acid change (alanine 72 retained).
Molecular consequence: synonymous variant.
Genome position (GRCh38, 1-based): chr11:2,169,746, G>A on the plus strand (C>T on the coding strand, the complement: TH is on the minus strand). VCF-style: chr11-2169746-G-A. GRCh37 (hg19) VCF-style: chr11-2190976-G-A.
Other names: c.309C>T, p.Ala103= (NM_199292.3); c.297C>T, p.Ala99= (NM_199293.3).
Identifiers: ClinVar variation 1030422 (VCV001030422.11), dbSNP rs773288225, ClinGen allele CA5818758.